The following is an entry in ClinVar:

NM_017617.5(NOTCH1):c.4031C>G (p.Thr1344Arg)

Gene: NOTCH1 (notch receptor 1; minus strand). Cytogenetic location: 9q34.3.
Variant type: single nucleotide variant.
Coding change: c.4031C>G on transcript NM_017617.5 (MANE Select); coding-DNA position 4031, C replaced by G.
Protein change: p.Thr1344Arg; replaces threonine 1344 with arginine.
Molecular consequence: missense variant.
Genome position (GRCh38, 1-based): chr9:136,505,865, G>C on the plus strand (C>G on the coding strand, the complement: NOTCH1 is on the minus strand). VCF-style: chr9-136505865-G-C. GRCh37 (hg19) VCF-style: chr9-139400317-G-C.
Other names: c.4031C>G, p.Thr1344Arg (LRG_1122t1); short protein forms T1344R.
Identifiers: ClinVar variation 626871 (VCV000626871.10), dbSNP rs201215245, ClinGen allele CA375548392.

ClinVar aggregate classification (germline): Conflicting classifications of pathogenicity. Review status: criteria provided, conflicting classifications (1 of 4 stars). 4 submissions from 4 submitters: Uncertain significance (3); Benign (1). Last evaluated 2025-07-29.

Conditions:
Familial thoracic aortic aneurysm and aortic dissection (TAAD). Also called: Thoracic aortic aneurysms and dissections. Identifiers: Orphanet 91387, MedGen C4707243, MONDO:0019625.
Adams-Oliver syndrome 5 (AOS5). Identifiers: Orphanet 974, MedGen C4014970, MONDO:0014459, OMIM 616028.

Allele frequency attached by ClinVar (database versions not stated): TOPMed 0.00001.
gnomAD v4.1: 33 of 1,592,770 alleles (0.0021%); highest among the groups gnomAD compares: Non-Finnish European, 0.0028%; no homozygotes.

Submissions (4):

Labcorp Genetics (formerly Invitae), Labcorp
Classification: Benign for Adams-Oliver syndrome 5. Last evaluated: 2025-07-29. Review status: criteria provided, single submitter. Criteria: Invitae Variant Classification Sherloc (09022015). Collection method: clinical testing. Allele origin: germline.

Women's Health and Genetics/Laboratory Corporation of America, LabCorp
Classification: Uncertain significance. Last evaluated: 2024-10-06. Review status: criteria provided, single submitter. Criteria: LabCorp Variant Classification Summary - May 2015. Collection method: clinical testing. Allele origin: germline.

Ambry Genetics
Classification: Uncertain significance for Familial thoracic aortic aneurysm and aortic dissection. Last evaluated: 2024-05-05. Review status: criteria provided, single submitter. Criteria: Ambry Variant Classification Scheme 2023. Collection method: clinical testing. Allele origin: germline.
Comment: The p.T1344R variant (also known as c.4031C>G), located in coding exon 25 of the NOTCH1 gene, results from a C to G substitution at nucleotide position 4031. The threonine at codon 1344 is replaced by arginine, an amino acid with similar properties. Another alteration affecting the same amino acid, p.T1344M (c.4031C>T), has been reported in association with congenital heart disease (Kerstjens-Frederikse WS et al. Genet. Med., 2016 09;18:914-23). This amino acid position is well conserved in available vertebrate species. In addition, the in silico prediction for this alteration is inconclusive. Since supporting evidence is limited at this time, the clinical significance of this alteration remains unclear.

CHEO Genetics Diagnostic Laboratory, Children's Hospital of Eastern Ontario
Classification: Uncertain significance for Familial thoracic aortic aneurysm and aortic dissection. Last evaluated: 2017-02-09. Review status: criteria provided, single submitter. Criteria: ACMG Guidelines, 2015. Collection method: clinical testing. Allele origin: germline. Study: Canadian Open Genetics Repository.